The following is an entry in ClinVar:

ClinVar aggregate classification (germline): Uncertain significance (1 of 4 stars; one submission).

Conditions:
Brachyolmia-amelogenesis imperfecta syndrome. Also called: Tooth agenesis, selective, 6; Dental anomalies and short stature; PLATYSPONDYLY WITH AMELOGENESIS IMPERFECTA. Identifiers: Orphanet 2899, MedGen C1832594, MONDO:0011018, OMIM 601216. Disease mechanism: loss of function.

Allele frequency attached by ClinVar (database versions not stated): TOPMed below 0.00001.

Submission:

Labcorp Genetics (formerly Invitae), Labcorp
Classification: Uncertain significance for Brachyolmia-amelogenesis imperfecta syndrome. Last evaluated: 2025-05-22. Review status: criteria provided, single submitter. Criteria: Invitae Variant Classification Sherloc (09022015). Collection method: clinical testing. Allele origin: germline.
Comment: This sequence change replaces proline, which is neutral and non-polar, with alanine, which is neutral and non-polar, at codon 699 of the LTBP3 protein (p.Pro699Ala). This variant is not present in population databases (gnomAD no frequency). This variant has not been reported in the literature in individuals affected with LTBP3-related conditions. ClinVar contains an entry for this variant (Variation ID: 2100821). An algorithm developed to predict the effect of missense changes on protein structure and function (PolyPhen-2) suggests that this variant is likely to be tolerated. In summary, the available evidence is currently insufficient to determine the role of this variant in disease. Therefore, it has been classified as a Variant of Uncertain Significance.

NM_001130144.3(LTBP3):c.2095C>G (p.Pro699Ala)

Gene: LTBP3 (latent transforming growth factor beta binding protein 3; minus strand). Cytogenetic location: 11q13.1.
Variant type: single nucleotide variant.
Coding change: c.2095C>G on transcript NM_001130144.3 (MANE Select); coding-DNA position 2095, C replaced by G.
Protein change: p.Pro699Ala; replaces proline 699 with alanine.
Molecular consequence: missense variant.
Genome position (GRCh38, 1-based): chr11:65,547,451, G>C on the plus strand (C>G on the coding strand, the complement: LTBP3 is on the minus strand). VCF-style: chr11-65547451-G-C. GRCh37 (hg19) VCF-style: chr11-65314922-G-C.
Other names: c.1744C>G, p.Pro582Ala (NM_001164266.1); c.2095C>G, p.Pro699Ala (NM_021070.4); short protein forms P582A, P699A.
Identifiers: ClinVar variation 2100821 (VCV002100821.4), dbSNP rs1856422455, ClinGen allele CA381270781.